The following is an entry in ClinVar:

NM_182961.4(SYNE1):c.6485G>A (p.Ser2162Asn)

Gene: SYNE1 (spectrin repeat containing nuclear envelope protein 1; minus strand). Cytogenetic location: 6q25.2.
Variant type: single nucleotide variant.
Coding change: c.6485G>A on transcript NM_182961.4 (MANE Select); coding-DNA position 6485, G replaced by A.
Protein change: p.Ser2162Asn; replaces serine 2162 with asparagine.
Molecular consequence: missense variant.
Genome position (GRCh38, 1-based): chr6:152,409,123, C>T on the plus strand (G>A on the coding strand, the complement: SYNE1 is on the minus strand). VCF-style: chr6-152409123-C-T. GRCh37 (hg19) VCF-style: chr6-152730258-C-T.
Other names: c.6506G>A, p.Ser2169Asn (NM_033071.5); short protein forms S2162N, S2169N.
Identifiers: ClinVar variation 2628551 (VCV002628551.2), dbSNP rs2495662592, ClinGen allele CA366125635.

ClinVar aggregate classification (germline): Uncertain significance (0 of 4 stars; one submission).

Conditions:
SYNE1-related disorder. Also called: SYNE1-related disease; SYNE1-related condition; SYNE1-related disorders.

Allele frequency attached by ClinVar (database versions not stated): gnomAD exomes 0.00001.
gnomAD v4.1: 13 of 1,614,154 alleles (0.00081%); highest among the groups gnomAD compares: Non-Finnish European, 0.0011%; no homozygotes.

Submission:

PreventionGenetics, part of Exact Sciences
Classification: Uncertain significance for SYNE1-related condition. Last evaluated: 2024-06-12. Review status: no assertion criteria provided. Collection method: clinical testing. Allele origin: germline.
Comment: The SYNE1 c.6506G>A variant is predicted to result in the amino acid substitution p.Ser2169Asn. To our knowledge, this variant has not been reported in the literature or in a large population database, indicating this variant is rare. At this time, the clinical significance of this variant is uncertain due to the absence of conclusive functional and genetic evidence.